The following is an entry in ClinVar:

NM_002303.6(LEPR):c.3203C>G (p.Pro1068Arg)

Gene: LEPR (leptin receptor; plus strand). Cytogenetic location: 1p31.3.
Variant type: single nucleotide variant.
Coding change: c.3203C>G on transcript NM_002303.6 (MANE Select); coding-DNA position 3203, C replaced by G.
Protein change: p.Pro1068Arg; replaces proline 1068 with arginine.
Molecular consequence: missense variant.
Genome position (GRCh38, 1-based): chr1:65,636,720, C>G. VCF-style: chr1-65636720-C-G. GRCh37 (hg19) VCF-style: chr1-66102403-C-G.
Other names: short protein forms P1068R.
Identifiers: ClinVar variation 3040969 (VCV003040969.5), dbSNP rs138724121, ClinGen allele CA895231.

ClinVar aggregate classification (germline): Uncertain significance. Review status: criteria provided, multiple submitters, no conflicts (2 of 4 stars). 3 submissions from 3 submitters: Uncertain significance (3). Last evaluated 2025-12-17.

Conditions:
LEPR-related disorder. Also called: LEPR-related condition; LEPR-related disorders.
Inborn genetic diseases. Identifiers: MedGen C0950123, MeSH D030342.

Allele frequency attached by ClinVar (database versions not stated): ESP Exome Variant Server 0.00015.
gnomAD v4.1: 62 of 1,608,946 alleles (0.0039%); highest among the groups gnomAD compares: African/African-American, 0.08%; no homozygotes.

Submissions (3):

PreventionGenetics, part of Exact Sciences
Classification: Uncertain significance for LEPR-related condition. Last evaluated: 2025-12-17. Review status: criteria provided, single submitter. Criteria: ACMG Guidelines, 2015. Collection method: clinical testing. Allele origin: germline.
Comment: The LEPR c.3203C>G variant is predicted to result in the amino acid substitution p.Pro1068Arg. This variant was observed in a cohort of individuals with obesity, and in vitro functional studies showed inconclusive evidence of loss of function (Supplemental Data Set, Shah et al. 2023. PubMed ID: 36864747). This variant is reported in 0.089% of alleles in individuals of African descent in gnomAD, which may be too frequent to be a primary cause of disease. Although we suspect that c.3203C>G may be benign, the clinical significance of this variant is currently classified as uncertain due to the absence of conclusive functional and genetic evidence.

Ambry Genetics
Classification: Uncertain significance for Inborn genetic diseases. Last evaluated: 2025-03-17. Review status: criteria provided, single submitter. Criteria: Ambry Variant Classification Scheme 2023. Collection method: clinical testing. Allele origin: germline.

Athena Diagnostics
Classification: Uncertain significance. Last evaluated: 2024-09-16. Review status: criteria provided, single submitter. Criteria: Athena Diagnostics Criteria. Collection method: clinical testing. Allele origin: unknown.
Comment: Available data are insufficient to determine the clinical significance of the variant at this time. The frequency of this variant in the general population is uninformative in assessment of its pathogenicity. Polyphen and MutationTaster predict this amino acid change may be benign.